The following is an entry in ClinVar:

NM_000423.3(KRT2):c.1478G>T (p.Gly493Val)

Gene: KRT2 (keratin 2; minus strand). Cytogenetic location: 12q13.13.
Variant type: single nucleotide variant.
Coding change: c.1478G>T on transcript NM_000423.3 (MANE Select); coding-DNA position 1478, G replaced by T.
Protein change: p.Gly493Val; replaces glycine 493 with valine.
Molecular consequence: missense variant.
Genome position (GRCh38, 1-based): chr12:52,645,561, C>A on the plus strand (G>T on the coding strand, the complement: KRT2 is on the minus strand). VCF-style: chr12-52645561-C-A. GRCh37 (hg19) VCF-style: chr12-53039345-C-A.
Other names: short protein forms G493V.
Identifiers: ClinVar variation 309601 (VCV000309601.7), dbSNP rs374913826, ClinGen allele CA6585455.

ClinVar aggregate classification (germline): Conflicting classifications of pathogenicity. Review status: criteria provided, conflicting classifications (1 of 4 stars). 2 submissions from 2 submitters: Uncertain significance (1); Benign (1). Last evaluated 2022-06-24.

Conditions:
Inborn genetic diseases. Identifiers: MedGen C0950123, MeSH D030342.
Ichthyosis bullosa of Siemens (IBS). Also called: Superficial epidermolytic ichthyosis. Identifiers: Orphanet 455, MedGen C0432306, MONDO:0007813, OMIM 146800.

Allele frequency attached by ClinVar (database versions not stated): TOPMed 0.00008; gnomAD 0.00009 and 0.00010; gnomAD exomes 0.00010; ExAC 0.00011; ESP Exome Variant Server 0.00023.
gnomAD v4.1: 190 of 1,614,062 alleles (0.012%); highest among the groups gnomAD compares: Non-Finnish European, 0.015%; no homozygotes.

Submissions (2):

Ambry Genetics
Classification: Uncertain significance for Inborn genetic diseases. Last evaluated: 2022-06-24. Review status: criteria provided, single submitter. Criteria: Ambry Variant Classification Scheme 2023. Collection method: clinical testing. Allele origin: germline.

Illumina Laboratory Services, Illumina
Classification: Benign for Ichthyosis bullosa of Siemens. Last evaluated: 2018-01-13. Review status: criteria provided, single submitter. Criteria: ICSL Variant Classification Criteria 13 December 2019. Collection method: clinical testing. Allele origin: germline.
Comment: This variant was observed in the ICSL laboratory as part of a predisposition screen in an ostensibly healthy population. It had not been previously curated by ICSL or reported in the Human Gene Mutation Database (HGMD: prior to June 1st, 2018), and was therefore a candidate for classification through an automated scoring system. Utilizing variant allele frequency, disease prevalence and penetrance estimates, and inheritance mode, an automated score was calculated to assess if this variant is too frequent to cause the disease. Based on the score and internal cut-off values, a variant classified as benign is not then subjected to further curation. The score for this variant resulted in a classification of benign for this disease.